The following is an entry in ClinVar:

ClinVar aggregate classification (germline): Likely pathogenic (1 of 4 stars; one submission).

Submission:

GeneDx
Classification: Likely pathogenic. Last evaluated: 2026-03-19. Review status: criteria provided, single submitter. Criteria: GeneDx Variant Classification Process June 2021. Collection method: clinical testing. Allele origin: germline.
Comment: Not observed at significant frequency in large population cohorts (gnomAD); In silico analysis supports that this missense variant has a deleterious effect on protein structure/function; This variant is associated with the following publications: (PMID: 32559475, 31410843, 23568789)

NM_006517.5(SLC16A2):c.353A>G (p.His118Arg)

Gene: SLC16A2 (solute carrier family 16 member 2; plus strand). Cytogenetic location: Xq13.2.
Variant type: single nucleotide variant.
Coding change: c.353A>G on transcript NM_006517.5 (MANE Select); coding-DNA position 353, A replaced by G.
Protein change: p.His118Arg; replaces histidine 118 with arginine.
Molecular consequence: missense variant.
Genome position (GRCh38, 1-based): chrX:74,421,990, A>G. VCF-style: chrX-74421990-A-G. GRCh37 (hg19) VCF-style: chrX-73641825-A-G.
Other names: short protein forms H118R.
Identifiers: ClinVar variation 5017713 (VCV005017713.1).
Genomic context (GRCh38, chrX:74,421,990, plus strand): 5'-GCTTCGGCTGGGTGGTGGTGTTCGCTGCCACCTGGTGCAACGGCTCCATCTTCGGCATCC[A>G]TAACTCTGTCGGGATCCTCTACTCCATGCTGCTAGAGGAGGAAAAGGAAAAAAATCGCCA-3'
Protein context (NP_006508.2, residues 108-128): TWCNGSIFGI[His118Arg]NSVGILYSML